The following is an entry in ClinVar:

ClinVar aggregate classification (germline): Conflicting classifications of pathogenicity. Review status: criteria provided, conflicting classifications (1 of 4 stars). 6 submissions from 6 submitters: Uncertain significance (3); Benign (1). 2 of the submissions do not count toward it. Last evaluated 2025-11-27.

Conditions:
Autosomal dominant nonsyndromic hearing loss 13. Identifiers: Orphanet 90635, MedGen C1866095, MONDO:0011159, OMIM 601868.
Fibrochondrogenesis 2 (FBCG2). Identifiers: Orphanet 2021, MedGen C3281128, MONDO:0013795, OMIM 614524.
Otospondylomegaepiphyseal dysplasia, autosomal recessive (OSMEDB). Also called: Insley-Astley syndrome; CHONDRODYSTROPHY WITH SENSORINEURAL DEAFNESS. Identifiers: Orphanet 1427, MedGen CN034493, MONDO:0044206, OMIM 215150.
Otospondylomegaepiphyseal dysplasia, autosomal dominant (OSMEDA). Also called: COL11A2-Related Stickler Syndrome; Pierre Robin syndrome with fetal chondrodysplasia; Stickler syndrome, type 3. Identifiers: Orphanet 166100, Orphanet 3450, MedGen C1848488, MONDO:0008490, OMIM 184840.
Autosomal recessive nonsyndromic hearing loss 53. Identifiers: Orphanet 90636, MedGen C1864746, MONDO:0012333, OMIM 609706.

gnomAD v4.1: 75 of 1,367,406 alleles (0.0055%); highest among the groups gnomAD compares: Non-Finnish European, 0.0062%; no homozygotes.

Submissions (6):

Labcorp Genetics (formerly Invitae), Labcorp
Classification: Benign. Last evaluated: 2025-11-27. Review status: criteria provided, single submitter. Criteria: Invitae Variant Classification Sherloc (09022015). Collection method: clinical testing. Allele origin: germline.

Blueprint Genetics
Classification: Uncertain significance. Last evaluated: 2024-10-28. Review status: criteria provided, single submitter. Criteria: ACMG Guidelines, 2015. Collection method: clinical testing. Allele origin: germline.

Fulgent Genetics
Classification: Uncertain significance for Otospondylomegaepiphyseal dysplasia, autosomal dominant; Otospondylomegaepiphyseal dysplasia, autosomal recessive; Autosomal dominant nonsyndromic hearing loss 13; Autosomal recessive nonsyndromic hearing loss 53; Fibrochondrogenesis 2. Last evaluated: 2024-03-26. Review status: criteria provided, single submitter. Criteria: ACMG Guidelines, 2015. Collection method: clinical testing. Allele origin: germline.

GeneDx
Classification: Uncertain significance. Last evaluated: 2021-11-15. Review status: criteria provided, single submitter. Criteria: GeneDx Variant Classification Process June 2021. Collection method: clinical testing. Allele origin: germline. Affected: yes.
Comment: Has not been previously published as pathogenic or benign to our knowledge; Not located in the triple helical region, where the majority of pathogenic missense variants occur (Stenson et al., 2014); At the protein level, in-silico analysis supports that this missense variant does not alter protein structure/function; This variant is associated with the following publications: (PMID: 26582918)

Clinical Genetics DNA and cytogenetics Diagnostics Lab, Erasmus MC, Erasmus Medical Center
Classification: Uncertain significance. Review status: no assertion criteria provided. Collection method: clinical testing. Allele origin: germline. Affected: yes. Study: VKGL Data-share Consensus. Not counted in ClinVar's aggregate classification.

Laboratory of Diagnostic Genome Analysis, Leiden University Medical Center (LUMC)
Classification: Uncertain significance. Review status: no assertion criteria provided. Collection method: clinical testing. Allele origin: germline. Affected: yes. Study: VKGL Data-share Consensus. Not counted in ClinVar's aggregate classification.

NM_080680.3(COL11A2):c.973G>A (p.Asp325Asn)

Gene: COL11A2 (collagen type XI alpha 2 chain; minus strand). Cytogenetic location: 6p21.32.
Variant type: single nucleotide variant.
Coding change: c.973G>A on transcript NM_080680.3 (MANE Select); coding-DNA position 973, G replaced by A.
Protein change: p.Asp325Asn; replaces aspartic acid 325 with asparagine.
Molecular consequence: missense variant. On other transcripts: intron variant (2).
Genome position (GRCh38, 1-based): chr6:33,184,291, C>T on the plus strand (G>A on the coding strand, the complement: COL11A2 is on the minus strand). VCF-style: chr6-33184291-C-T. GRCh37 (hg19) VCF-style: chr6-33152068-C-T.
Other names: c.798+2336G>A (NM_080679.3); c.861+701G>A (NM_080681.3); short protein forms D325N.
Identifiers: ClinVar variation 1200125 (VCV001200125.16), dbSNP rs369790491, ClinGen allele CA3751497.